The following is an entry in ClinVar:

NM_022356.4(P3H1):c.1570-203T>C

Gene: P3H1 (prolyl 3-hydroxylase 1; minus strand). Cytogenetic location: 1p34.2.
Variant type: single nucleotide variant.
Coding change: c.1570-203T>C on transcript NM_022356.4 (MANE Select); 203 bases into the intron before coding-DNA position 1570, T replaced by C.
Molecular consequence: intron variant.
Genome position (GRCh38, 1-based): chr1:42,750,539, A>G on the plus strand (T>C on the coding strand, the complement: P3H1 is on the minus strand). VCF-style: chr1-42750539-A-G. GRCh37 (hg19) VCF-style: chr1-43216210-A-G.
Other names: c.1570-203T>C (NM_001146289.2, NM_001243246.2).
Identifiers: ClinVar variation 668873 (VCV000668873.1), dbSNP rs146000205, ClinGen allele CA21242435.
Genomic context (GRCh38, chr1:42,750,539, plus strand): 5'-TGGATCTTTCCCGTGCTGTTCTCATAATACTGAATAAGTCTCACGAGATCTGGTGGCTTT[A>G]AAAAAATGGGAGTTTGCGTCCGGGAGGTGAGGGGCGCCTCTGCCCGGCCGCCCCTACTGG-3'

ClinVar aggregate classification (germline): Likely benign (1 of 4 stars; one submission).

Allele frequency attached by ClinVar (database versions not stated): TOPMed 0.01279; gnomAD 0.01325 and 0.01481; 1000 Genomes Project 0.01538; 1000 Genomes Project 30x 0.01593.
gnomAD v4.1: 2,242 of 152,122 alleles (1.5%); highest among the groups gnomAD compares: South Asian, 5.7%; 35 homozygotes.

Submission:

GeneDx
Classification: Likely benign. Last evaluated: 2018-06-19. Review status: criteria provided, single submitter. Criteria: GeneDx Variant Classification (06012015). Collection method: clinical testing. Allele origin: germline. Affected: yes.
Comment: This variant is considered likely benign or benign based on one or more of the following criteria: it is a conservative change, it occurs at a poorly conserved position in the protein, it is predicted to be benign by multiple in silico algorithms, and/or has population frequency not consistent with disease.